The following is an entry in ClinVar:

ClinVar aggregate classification (germline): Conflicting classifications of pathogenicity. Review status: criteria provided, conflicting classifications (1 of 4 stars). 2 submissions from 2 submitters: Likely pathogenic (1); Uncertain significance (1). Last evaluated 2025-12-30.

Conditions:
Carnitine palmitoyltransferase II deficiency. Also called: Carnitine Palmitoyltransferase 2 Deficiency. Identifiers: Orphanet 157, MedGen C0342790, MONDO:0015515.

Allele frequency attached by ClinVar (database versions not stated): gnomAD exomes below 0.00001.
gnomAD v4.1: 7 of 1,614,044 alleles (0.00043%); highest among the groups gnomAD compares: East Asian, 0.0089%; no homozygotes.

Submissions (2):

Natera, Inc.
Classification: Likely pathogenic for Carnitine palmitoyltransferase II deficiency. Last evaluated: 2025-12-30. Review status: criteria provided, single submitter. Criteria: Natera Variant Classification Schema (03/2026). Collection method: clinical testing. Allele origin: germline.
Comment: The c.482G>A variant in CPT2 is a missense variant predicted to cause substitution of arginine to glutamine at amino acid 161. This variant is rare in the general population with a frequency below the threshold expected for the associated phenotype(s). This variant has been observed in one or more individuals affected with the associated recessive disease, as either homozygous or compound heterozygous with a second variant (PMID: 39429887). A different variant at the same position has been determined to be Pathogenic or Likely Pathogenic. Computational prediction algorithms indicate this variant is likely to affect gene or protein function. Given the available evidence, this variant is classified as Likely Pathogenic.

Labcorp Genetics (formerly Invitae), Labcorp
Classification: Uncertain significance for Carnitine palmitoyltransferase II deficiency. Last evaluated: 2022-07-17. Review status: criteria provided, single submitter. Criteria: Invitae Variant Classification Sherloc (09022015). Collection method: clinical testing. Allele origin: germline.
Comment: This sequence change replaces arginine, which is basic and polar, with glutamine, which is neutral and polar, at codon 161 of the CPT2 protein (p.Arg161Gln). This variant is present in population databases (no rsID available, gnomAD 0.02%). This missense change has been observed in individual(s) with clinical features of CPT2-related conditions (PMID: 31770251). Advanced modeling of protein sequence and biophysical properties (such as structural, functional, and spatial information, amino acid conservation, physicochemical variation, residue mobility, and thermodynamic stability) performed at Invitae indicates that this missense variant is not expected to disrupt CPT2 protein function. Algorithms developed to predict the effect of sequence changes on RNA splicing suggest that this variant may create or strengthen a splice site. This variant disrupts the p.Arg161 amino acid residue in CPT2. Other variant(s) that disrupt this residue have been observed in individuals with CPT2-related conditions (PMID: 12673791), which suggests that this may be a clinically significant amino acid residue. In summary, the available evidence is currently insufficient to determine the role of this variant in disease. Therefore, it has been classified as a Variant of Uncertain Significance.

Literature cited by the submitters: PubMed 39429887 (cited by Natera, Inc.); PubMed 31770251 (cited by Labcorp Genetics (formerly Invitae), Labcorp); PubMed 12673791 (cited by Labcorp Genetics (formerly Invitae), Labcorp).

NM_000098.3(CPT2):c.482G>A (p.Arg161Gln)

Gene: CPT2 (carnitine palmitoyltransferase 2; plus strand). Cytogenetic location: 1p32.3.
Variant type: single nucleotide variant.
Coding change: c.482G>A on transcript NM_000098.3 (MANE Select); coding-DNA position 482, G replaced by A.
Protein change: p.Arg161Gln; replaces arginine 161 with glutamine.
Molecular consequence: missense variant.
Genome position (GRCh38, 1-based): chr1:53,210,156, G>A. VCF-style: chr1-53210156-G-A. GRCh37 (hg19) VCF-style: chr1-53675828-G-A.
Other names: c.482G>A (NM_000098.2); c.482G>A, p.Arg161Gln (NM_001330589.2); short protein forms R161Q.
Identifiers: ClinVar variation 1925563 (VCV001925563.3), dbSNP rs1051337309, ClinGen allele CA22637751.
Genomic context (GRCh38, chr1:53,210,156, plus strand): 5'-CAAAATCTGAGTATAATGACCAGCTCACCCGGGCAACCAACATGACTGTTTCTGCCATCC[G>A]GTTTCTGAAGACACTCCGGGCTGGCCTTCTGGAGCCAGAAGTGTTCCACTTGAACCCTGC-3'
Protein context (NP_000089.1, residues 151-171): RATNMTVSAI[Arg161Gln]FLKTLRAGLL